The following is an entry in ClinVar:

ClinVar aggregate classification (germline): Conflicting classifications of pathogenicity. Review status: criteria provided, conflicting classifications (1 of 4 stars). 2 submissions from 2 submitters: Uncertain significance (1); Likely benign (1). Last evaluated 2026-02-26.

Conditions:
KIF1A-related disorder. Also called: KIF1A-related disorders; KIF1A-related condition.

gnomAD v4.1: 60 of 1,572,882 alleles (0.0038%); highest among the groups gnomAD compares: African/African-American, 0.073%; no homozygotes.

Submissions (2):

PreventionGenetics, part of Exact Sciences
Classification: Likely benign for KIF1A-related condition. Last evaluated: 2026-02-26. Review status: criteria provided, single submitter. Criteria: ACMG Guidelines, 2015. Collection method: clinical testing. Allele origin: germline.
Comment: This variant is classified as likely benign based on ACMG/AMP sequence variant interpretation guidelines (Richards et al. 2015 PMID: 25741868, with internal and published modifications).

CeGaT Center for Human Genetics Tuebingen
Classification: Uncertain significance. Last evaluated: 2025-06-01. Review status: criteria provided, single submitter. Criteria: CeGaT Center For Human Genetics Tuebingen Variant Classification Criteria Version 2. Collection method: clinical testing. Allele origin: germline. Affected: yes. Observed: 1 variant allele.
Comment: KIF1A: PM2, BP4

NM_001244008.2(KIF1A):c.1208-81C>T

Gene: KIF1A (kinesin family member 1A; minus strand). Cytogenetic location: 2q37.3.
Variant type: single nucleotide variant.
Coding change: c.1208-81C>T on transcript NM_001244008.2 (MANE Select); 81 bases into the intron before coding-DNA position 1208, C replaced by T.
Molecular consequence: intron variant.
Genome position (GRCh38, 1-based): chr2:240,771,185, G>A on the plus strand (C>T on the coding strand, the complement: KIF1A is on the minus strand). VCF-style: chr2-240771185-G-A. GRCh37 (hg19) VCF-style: chr2-241710602-G-A.
Other names: c.1208-6C>T (NM_001330290.1, NM_001379635.1, NM_001330290.2 and 3 more transcripts); c.1181-81C>T (NM_001379653.1, NM_001379650.1, NM_001379645.1 and 10 more transcripts); c.1181-6C>T (NM_001379637.1, NM_001379648.1); c.1208-81C>T (NM_001320705.2, NM_001379638.1, NM_001330289.2).
Identifiers: ClinVar variation 3905444 (VCV003905444.11).